The following is an entry in ClinVar:

ClinVar aggregate classification (germline): Likely benign (1 of 4 stars; one submission).

Allele frequency attached by ClinVar (database versions not stated): ExAC 0.00001.

Submission:

CeGaT Center for Human Genetics Tuebingen
Classification: Likely benign. Last evaluated: 2024-02-01. Review status: criteria provided, single submitter. Criteria: CeGaT Center For Human Genetics Tuebingen Variant Classification Criteria Version 2. Collection method: clinical testing. Allele origin: germline. Affected: yes. Observed: 1 variant allele.
Comment: GMPPB: BP4, BP7

NM_021971.4(GMPPB):c.207G>A (p.Gln69=)

Gene: GMPPB (GDP-mannose pyrophosphorylase B; minus strand). Cytogenetic location: 3p21.31.
Variant type: single nucleotide variant.
Coding change: c.207G>A on transcript NM_021971.4 (MANE Select); coding-DNA position 207, G replaced by A.
Protein change: p.Gln69=; no amino-acid change (glutamine 69 retained).
Molecular consequence: synonymous variant.
Genome position (GRCh38, 1-based): chr3:49,723,395, C>T on the plus strand (G>A on the coding strand, the complement: GMPPB is on the minus strand). VCF-style: chr3-49723395-C-T. GRCh37 (hg19) VCF-style: chr3-49760828-C-T.
Other names: c.207G>A, p.Gln69= (NM_013334.4).
Identifiers: ClinVar variation 3027176 (VCV003027176.22), dbSNP rs753463106, ClinGen allele CA2405659.
Genomic context (GRCh38, chr3:49,723,395, plus strand): 5'-ACCAGGATGGGAAGTTGGGCGGGGACCGAGAATAAGGGCCAAGAGTCTGTGCCTCACCCT[C>T]TGCTCCTGTGCCTTCATTTCCTTCTCCAGCACCTGCGACATGTAGCTCACGGCCAGGATC-3'
Protein context (NP_068806.2, residues 59-79): VLEKEMKAQE[Gln69=]RLGIRISMSH